The following is an entry in ClinVar:

ClinVar aggregate classification (germline): Likely benign. Review status: criteria provided, multiple submitters, no conflicts (2 of 4 stars). 2 submissions from 2 submitters: Likely benign (2). Last evaluated 2025-01-23.

Conditions:
Lynch syndrome 4 (LYNCH4). Also called: Colorectal cancer, hereditary nonpolyposis, type 4; Hereditary non-polyposis colorectal cancer, type 4. Identifiers: Orphanet 144, MedGen C1838333, MONDO:0013699, OMIM 614337. Disease mechanism: loss of function.

Submissions (2):

Myriad Genetics, Inc.
Classification: Likely benign for Lynch syndrome 4. Last evaluated: 2025-01-23. Review status: criteria provided, single submitter. Criteria: Myriad Autosomal Dominant, Autosomal Recessive and X-Linked Classification Criteria (2023). Collection method: clinical testing. Allele origin: unknown.
Comment: This variant is considered likely benign. This variant is intronic and is not expected to impact mRNA splicing.

GeneDx
Classification: Likely benign. Last evaluated: 2017-11-29. Review status: criteria provided, single submitter. Criteria: GeneDx Variant Classification (06012015). Collection method: clinical testing. Allele origin: germline. Affected: yes.
Comment: This variant is considered likely benign or benign based on one or more of the following criteria: it is a conservative change, it occurs at a poorly conserved position in the protein, it is predicted to be benign by multiple in silico algorithms, and/or has population frequency not consistent with disease.

NM_000535.7(PMS2):c.24-11G>A

Gene: PMS2 (PMS1 homolog 2, mismatch repair system component; minus strand). Cytogenetic location: 7p22.1.
Variant type: single nucleotide variant.
Coding change: c.24-11G>A on transcript NM_000535.7 (MANE Select); 11 bases into the intron before coding-DNA position 24, G replaced by A.
Molecular consequence: intron variant.
Genome position (GRCh38, 1-based): chr7:6,006,042, C>T on the plus strand (G>A on the coding strand, the complement: PMS2 is on the minus strand). VCF-style: chr7-6006042-C-T. GRCh37 (hg19) VCF-style: chr7-6045673-C-T.
Other names: c.-52-1984G>A (NM_001322008.2); c.-242-1984G>A (NM_001322010.2, NM_001322004.2); c.-377-16G>A (NM_001322013.2, NM_001322003.2, NM_001322009.2); c.-856-16G>A (NM_001322012.2); c.-456-16G>A (NM_001322015.2); c.-192-11G>A (NM_001322007.2); c.-861-11G>A (NM_001322011.2); c.24-11G>A (NM_001322006.2, NM_001322014.2); and 1 more.
Identifiers: ClinVar variation 513753 (VCV000513753.2), dbSNP rs1554306632, ClinGen allele CA651240052.